The following is an entry in ClinVar:

ClinVar aggregate classification (germline): Uncertain significance. Review status: criteria provided, multiple submitters, no conflicts (2 of 4 stars). 2 submissions from 2 submitters: Uncertain significance (2). Last evaluated 2025-10-07.

Conditions:
Primary ciliary dyskinesia. Also called: Ciliary dyskinesia. Identifiers: Orphanet 244, MedGen C0008780, MONDO:0016575, HP:0012265.

Allele frequency attached by ClinVar (database versions not stated): gnomAD 0.00001; TOPMed 0.00001.
gnomAD v4.1: 52 of 1,568,834 alleles (0.0033%); highest among the groups gnomAD compares: Middle Eastern, 0.017%; no homozygotes.

Submissions (2):

Ambry Genetics
Classification: Uncertain significance for Primary ciliary dyskinesia. Last evaluated: 2025-10-07. Review status: criteria provided, single submitter. Criteria: Ambry Variant Classification Scheme 2023. Collection method: clinical testing. Allele origin: germline.

Labcorp Genetics (formerly Invitae), Labcorp
Classification: Uncertain significance for Primary ciliary dyskinesia. Last evaluated: 2022-07-19. Review status: criteria provided, single submitter. Criteria: Invitae Variant Classification Sherloc (09022015). Collection method: clinical testing. Allele origin: germline.
Comment: In summary, the available evidence is currently insufficient to determine the role of this variant in disease. Therefore, it has been classified as a Variant of Uncertain Significance. Algorithms developed to predict the effect of missense changes on protein structure and function are either unavailable or do not agree on the potential impact of this missense change (SIFT: "Deleterious"; PolyPhen-2: "Benign"; Align-GVGD: "Class C0"). This variant has not been reported in the literature in individuals affected with DNAAF3-related conditions. This variant is present in population databases (rs753871688, gnomAD 0.004%). This sequence change replaces arginine, which is basic and polar, with proline, which is neutral and non-polar, at codon 335 of the DNAAF3 protein (p.Arg335Pro).

NM_001256715.2(DNAAF3):c.800G>C (p.Arg267Pro)

Genes: DNAAF3 (dynein axonemal assembly factor 3; minus strand), DNAAF3-AS1 (DNAAF3 antisense RNA 1; plus strand). Cytogenetic location: 19q13.42.
Variant type: single nucleotide variant.
Coding change: c.800G>C on transcript NM_001256715.2 (MANE Select); coding-DNA position 800, G replaced by C.
Protein change: p.Arg267Pro; replaces arginine 267 with proline.
Molecular consequence: missense variant.
Genome position (GRCh38, 1-based): chr19:55,161,177, C>G on the plus strand (G>C on the coding strand, the complement: DNAAF3 is on the minus strand). VCF-style: chr19-55161177-C-G. GRCh37 (hg19) VCF-style: chr19-55672545-C-G.
Other names: c.1004G>C, p.Arg335Pro (NM_001256714.1); c.638G>C, p.Arg213Pro (NM_001256716.2); c.941G>C, p.Arg314Pro (NM_178837.4); short protein forms R314P, R267P, R213P, R335P.
Identifiers: ClinVar variation 2169923 (VCV002169923.5), dbSNP rs753871688, ClinGen allele CA9668042.